The following is an entry in ClinVar:

NM_177438.3(DICER1):c.5523A>G (p.Leu1841=)

Gene: DICER1 (dicer 1, ribonuclease III; minus strand). Cytogenetic location: 14q32.13.
Variant type: single nucleotide variant.
Coding change: c.5523A>G on transcript NM_177438.3 (MANE Select); coding-DNA position 5523, A replaced by G.
Protein change: p.Leu1841=; no amino-acid change (leucine 1841 retained).
Molecular consequence: synonymous variant. On other transcripts: non-coding transcript variant (6), intron variant (1).
Genome position (GRCh38, 1-based): chr14:95,091,207, T>C on the plus strand (A>G on the coding strand, the complement: DICER1 is on the minus strand). VCF-style: chr14-95091207-T-C. GRCh37 (hg19) VCF-style: chr14-95557544-T-C.
Other names: c.5523A>G, p.Leu1841= (NM_001271282.3, NM_001291628.2, NM_001395677.1 and 8 more transcripts); c.5241A>G, p.Leu1747= (NM_001395686.1); c.5118A>G, p.Leu1706= (NM_001395687.1, NM_001395688.1, NM_001395689.1 and 1 more transcripts); c.4956A>G, p.Leu1652= (NM_001395691.1); c.3840A>G, p.Leu1280= (NM_001395697.1); c.5365-98A>G (NM_001195573.1).
Identifiers: ClinVar variation 1748088 (VCV001748088.8), dbSNP rs1452920845, ClinGen allele CA487843669.

ClinVar aggregate classification (germline): Benign/Likely benign. Review status: criteria provided, multiple submitters, no conflicts (2 of 4 stars). 3 submissions from 3 submitters: Benign (1); Likely benign (2). Last evaluated 2026-04-21.

Conditions:
DICER1-related tumor predisposition. Also called: DICER1 syndrome; DICER1-related pleuropulmonary blastoma cancer predisposition syndrome. Identifiers: Orphanet 284343, MedGen C3839822, MONDO:0100216.
Hereditary cancer-predisposing syndrome. Also called: Neoplastic Syndromes, Hereditary; Tumor predisposition; Hereditary neoplastic syndrome; Hereditary Cancer Syndrome. Identifiers: Orphanet 140162, MedGen C0027672, MeSH D009386, MONDO:0015356.

Allele frequency attached by ClinVar (database versions not stated): gnomAD exomes below 0.00001.
gnomAD v4.1: 2 of 1,614,206 alleles (0.00012%); highest among the groups gnomAD compares: Admixed American, 0.0017%; no homozygotes.

Submissions (3):

Myriad Genetics, Inc.
Classification: Benign for DICER1-related tumor predisposition. Last evaluated: 2026-04-21. Review status: criteria provided, single submitter. Criteria: Myriad Autosomal Dominant, Autosomal Recessive and X-Linked Classification Criteria (2023). Collection method: clinical testing. Allele origin: unknown.
Comment: This variant is considered benign. This variant is a silent/synonymous amino acid change and it is not expected to impact splicing.

Labcorp Genetics (formerly Invitae), Labcorp
Classification: Likely benign for DICER1-related tumor predisposition. Last evaluated: 2023-07-16. Review status: criteria provided, single submitter. Criteria: Invitae Variant Classification Sherloc (09022015). Collection method: clinical testing. Allele origin: germline.

Ambry Genetics
Classification: Likely benign for Hereditary cancer-predisposing syndrome. Last evaluated: 2017-09-30. Review status: criteria provided, single submitter. Criteria: Ambry Variant Classification Scheme 2023. Collection method: clinical testing. Allele origin: germline.